The following is an entry in ClinVar:

ClinVar aggregate classification (germline): Benign. Review status: criteria provided, multiple submitters, no conflicts (2 of 4 stars). 2 submissions from 2 submitters: Benign (2). Last evaluated 2018-06-14.

Allele frequency attached by ClinVar (database versions not stated): gnomAD exomes 0.42523; 1000 Genomes Project 0.46665; 1000 Genomes Project 30x 0.48157; gnomAD 0.51891 and 0.53296; TOPMed 0.52798.
gnomAD v4.1: 539,404 of 1,233,712 alleles (44%); highest among the groups gnomAD compares: African/African-American, 83%; 125,556 homozygotes.

Submissions (2):

GeneDx
Classification: Benign. Last evaluated: 2018-06-14. Review status: criteria provided, single submitter. Criteria: GeneDx Variant Classification (06012015). Collection method: clinical testing. Allele origin: germline. Affected: yes.
Comment: This variant is considered likely benign or benign based on one or more of the following criteria: it is a conservative change, it occurs at a poorly conserved position in the protein, it is predicted to be benign by multiple in silico algorithms, and/or has population frequency not consistent with disease.

Breakthrough Genomics
Classification: Benign. Review status: criteria provided, single submitter. Criteria: ACMG Guidelines, 2015. Collection method: not provided. Allele origin: germline. Inheritance: Autosomal recessive inheritance. Affected: yes.

NM_201384.3(PLEC):c.3261-123T>C

Gene: PLEC (plectin; minus strand). Cytogenetic location: 8q24.3.
Variant type: single nucleotide variant.
Coding change: c.3261-123T>C on transcript NM_201384.3 (MANE Select); 123 bases into the intron before coding-DNA position 3261, T replaced by C.
Molecular consequence: intron variant.
Genome position (GRCh38, 1-based): chr8:143,928,115, A>G on the plus strand (T>C on the coding strand, the complement: PLEC is on the minus strand). VCF-style: chr8-143928115-A-G. GRCh37 (hg19) VCF-style: chr8-145002283-A-G.
Other names: c.3342-123T>C (NM_000445.5); c.3219-123T>C (NM_201378.4); c.3195-123T>C (NM_201379.3); c.3672-123T>C (NM_201380.4); c.3165-123T>C (NM_201381.3); c.3261-123T>C (NM_201382.4); c.3273-123T>C (NM_201383.3).
Identifiers: ClinVar variation 667881 (VCV000667881.2), dbSNP rs11993233, ClinGen allele CA12780801.
Genomic context (GRCh38, chr8:143,928,115, plus strand): 5'-AACCCAAGCCACAGCGACCCAGGGTGCTGCCTGCCAAGCCCAGACCCAACCCTGGGGGTC[A>G]GCTGACCCTGTGGTCAGAGGCTTGCTTCAGGAGAAGAACAGCCTTGGGGAGAAGGAGGTT-3'